The following is an entry in ClinVar:

ClinVar aggregate classification (germline): Likely benign (0 of 4 stars; one submission).

Conditions:
SLC28A1-related disorder. Also called: SLC28A1-related condition.

Allele frequency attached by ClinVar (database versions not stated): ExAC 0.00128; 1000 Genomes Project 0.00180; ESP Exome Variant Server 0.00238; 1000 Genomes Project 30x 0.00297.
gnomAD v4.1: 1,689 of 1,613,880 alleles (0.1%); highest among the groups gnomAD compares: African/African-American, 0.62%; 8 homozygotes.

Submission:

PreventionGenetics, part of Exact Sciences
Classification: Likely benign for SLC28A1-related condition. Last evaluated: 2019-12-18. Review status: no assertion criteria provided. Collection method: clinical testing. Allele origin: germline.
Comment: This variant is classified as likely benign based on ACMG/AMP sequence variant interpretation guidelines (Richards et al. 2015 PMID: 25741868, with internal and published modifications).

NM_004213.5(SLC28A1):c.835G>A (p.Val279Ile)

Gene: SLC28A1 (solute carrier family 28 member 1; plus strand). Cytogenetic location: 15q25.3.
Variant type: single nucleotide variant.
Coding change: c.835G>A on transcript NM_004213.5 (MANE Select); coding-DNA position 835, G replaced by A.
Protein change: p.Val279Ile; replaces valine 279 with isoleucine.
Molecular consequence: missense variant.
Genome position (GRCh38, 1-based): chr15:84,918,563, G>A. VCF-style: chr15-84918563-G-A. GRCh37 (hg19) VCF-style: chr15-85461794-G-A.
Other names: c.835G>A, p.Val279Ile (NM_001287761.2, NM_001287762.2, NM_001321721.2 and 1 more transcripts); short protein forms V279I.
Identifiers: ClinVar variation 3042968 (VCV003042968.2), dbSNP rs17215975, ClinGen allele CA7710599.